The following is an entry in ClinVar:

ClinVar aggregate classification (germline): Likely benign. Review status: criteria provided, multiple submitters, no conflicts (2 of 4 stars). 2 submissions from 2 submitters: Likely benign (2). Last evaluated 2026-08-07.

Conditions:
CDH23-related disorder. Also called: CDH23-related condition; CDH23-related disorders.

Allele frequency attached by ClinVar (database versions not stated): gnomAD exomes below 0.00001; ExAC 0.00001; gnomAD 0.00002; TOPMed 0.00003.
gnomAD v4.1: 10 of 1,613,422 alleles (0.00062%); highest among the groups gnomAD compares: Admixed American, 0.0033%; no homozygotes.

Submissions (2):

PreventionGenetics, part of Exact Sciences
Classification: Likely benign for CDH23-related condition. Last evaluated: 2026-08-07. Review status: criteria provided, single submitter. Criteria: ACMG Guidelines, 2015. Collection method: clinical testing. Allele origin: germline.
Comment: This variant is classified as likely benign based on ACMG/AMP sequence variant interpretation guidelines (Richards et al. 2015 PMID: 25741868, with internal and published modifications).

Labcorp Genetics (formerly Invitae), Labcorp
Classification: Likely benign. Last evaluated: 2025-12-16. Review status: criteria provided, single submitter. Criteria: Invitae Variant Classification Sherloc (09022015). Collection method: clinical testing. Allele origin: germline.

NM_022124.6(CDH23):c.6156G>A (p.Thr2052=)

Gene: CDH23 (cadherin related 23; plus strand). Cytogenetic location: 10q22.1.
Variant type: single nucleotide variant.
Coding change: c.6156G>A on transcript NM_022124.6 (MANE Select); coding-DNA position 6156, G replaced by A.
Protein change: p.Thr2052=; no amino-acid change (threonine 2052 retained).
Molecular consequence: synonymous variant.
Genome position (GRCh38, 1-based): chr10:71,791,238, G>A. VCF-style: chr10-71791238-G-A. GRCh37 (hg19) VCF-style: chr10-73550995-G-A.
Other names: c.6156G>A (NM_022124.5).
Identifiers: ClinVar variation 1113768 (VCV001113768.10), dbSNP rs766847987, ClinGen allele CA5546012.
Genomic context (GRCh38, chr10:71,791,238, plus strand): 5'-CTCGCCACCCATCCTGGAGCTGCTGCTGCTGGCTGAGGACATCGGGCTGCTCAACAGCAC[G>A]GCCCACCTGCTCATCACCATCCTGGATGACAATGACAACCGGCCCACCTTTAGCCCTGCC-3'
Protein context (NP_071407.4, residues 2042-2062): LAEDIGLLNS[Thr2052=]AHLLITILDD